The following is an entry in ClinVar:

ClinVar aggregate classification (germline): Pathogenic (1 of 4 stars; one submission).

Conditions:
Alstrom syndrome (ALMS). Identifiers: Orphanet 64, MedGen C0268425, MONDO:0008763, OMIM 203800.

Submission:

Labcorp Genetics (formerly Invitae), Labcorp
Classification: Pathogenic for Alstrom syndrome. Last evaluated: 2021-08-05. Review status: criteria provided, single submitter. Criteria: Invitae Variant Classification Sherloc (09022015). Collection method: clinical testing. Allele origin: germline.
Comment: This variant is not present in population databases (ExAC no frequency). This variant has not been reported in the literature in individuals affected with ALMS1-related conditions. For these reasons, this variant has been classified as Pathogenic. This sequence change creates a premature translational stop signal (p.Asp58Argfs*70) in the ALMS1 gene. It is expected to result in an absent or disrupted protein product. Loss-of-function variants in ALMS1 are known to be pathogenic (PMID: 17594715).

Literature cited by the submitters: PubMed 17594715.

NM_001378454.1(ALMS1):c.168dup (p.Asp57fs)

Gene: ALMS1 (ALMS1 centrosome and basal body associated protein; plus strand). Cytogenetic location: 2p13.1.
Variant type: Duplication.
Coding change: c.168dup on transcript NM_001378454.1 (MANE Select); coding-DNA position 168, one base duplicated (C; older notation c.168dupC).
Protein change: p.Asp57fs; shifts the reading frame from aspartic acid 57.
Molecular consequence: frameshift variant.
Genome position (GRCh38, 1-based): chr2:73,386,036, C duplicated; the last of 2 consecutive C bases (chr2:73,386,035-73,386,036); duplicating either gives the same sequence. VCF-style (leftmost placement, unchanged base first): chr2-73386034-T-TC. GRCh37 (hg19) VCF-style: chr2-73613162-T-TC.
Other names: c.171dup, p.Asp58fs (NM_015120.4); short protein forms D58fs, D57fs.
Identifiers: ClinVar variation 1453271 (VCV001453271.6), dbSNP rs1269948810, ClinGen allele CA534125594.